The following is an entry in ClinVar:

NM_000179.3(MSH6):c.3783del (p.Val1262fs)

Gene: MSH6 (mutS homolog 6; plus strand). Cytogenetic location: 2p16.3.
Variant type: Deletion.
Coding change: c.3783del on transcript NM_000179.3 (MANE Select); coding-DNA position 3783, one base deleted (T; older notation c.3783delT).
Protein change: p.Val1262fs; shifts the reading frame from valine 1262.
Molecular consequence: frameshift variant. On other transcripts: non-coding transcript variant (5).
Genome position (GRCh38, 1-based): chr2:47,806,340, T deleted. VCF-style (leftmost placement, unchanged base first): chr2-47806339-CT-C. GRCh37 (hg19) VCF-style: chr2-48033478-CT-C.
Other names: c.3393del, p.Val1132fs (NM_001281492.2); c.2877del, p.Val960fs (NM_001281493.2, NM_001281494.2, NM_001406811.1 and 6 more transcripts); c.3879del, p.Val1294fs (NM_001406795.1, NM_001406802.1); c.3783del, p.Val1262fs (NM_001406796.1, NM_001406800.1, NM_001406808.1 and 1 more transcripts); c.3486del, p.Val1163fs (NM_001406797.1, NM_001406801.1, NM_001406805.1 and 10 more transcripts); c.3609del, p.Val1204fs (NM_001406798.1); c.3258del, p.Val1087fs (NM_001406799.1, NM_001406806.1, NM_001406807.1); c.2919del, p.Val974fs (NM_001406803.1); and 7 more; short protein forms V1204fs, V1206fs, V211fs, V974fs, V1087fs, V1132fs, V1264fs, V189fs.
Identifiers: ClinVar variation 2693450 (VCV002693450.3), dbSNP rs2530848370, ClinGen allele CA2697548073.

ClinVar aggregate classification (germline): Pathogenic (1 of 4 stars; one submission).

Conditions:
Hereditary nonpolyposis colorectal neoplasms. Identifiers: MedGen C0009405, MeSH D003123.

Submission:

Labcorp Genetics (formerly Invitae), Labcorp
Classification: Pathogenic for Hereditary nonpolyposis colorectal neoplasms. Last evaluated: 2023-05-23. Review status: criteria provided, single submitter. Criteria: Invitae Variant Classification Sherloc (09022015). Collection method: clinical testing. Allele origin: germline.
Comment: For these reasons, this variant has been classified as Pathogenic. This variant has not been reported in the literature in individuals affected with MSH6-related conditions. This variant is not present in population databases (gnomAD no frequency). This sequence change creates a premature translational stop signal (p.Val1262Cysfs*3) in the MSH6 gene. It is expected to result in an absent or disrupted protein product. Loss-of-function variants in MSH6 are known to be pathogenic (PMID: 18269114, 24362816).

Literature cited by the submitters: PubMed 18269114; PubMed 24362816.